The following is an entry in ClinVar:

ClinVar aggregate classification (germline): Uncertain significance (1 of 4 stars; one submission).

Allele frequency attached by ClinVar (database versions not stated): ExAC 0.00002; gnomAD exomes 0.00003; ESP Exome Variant Server 0.00008.
gnomAD v4.1: 44 of 1,613,698 alleles (0.0027%); highest among the groups gnomAD compares: East Asian, 0.0067%; no homozygotes.

Submission:

Labcorp Genetics (formerly Invitae), Labcorp
Classification: Uncertain significance. Last evaluated: 2022-02-05. Review status: criteria provided, single submitter. Criteria: Invitae Variant Classification Sherloc (09022015). Collection method: clinical testing. Allele origin: germline.
Comment: This sequence change replaces arginine, which is basic and polar, with glutamine, which is neutral and polar, at codon 1493 of the LRRK1 protein (p.Arg1493Gln). This variant is present in population databases (rs367806940, gnomAD 0.005%). This variant has not been reported in the literature in individuals affected with LRRK1-related conditions. Algorithms developed to predict the effect of missense changes on protein structure and function output the following: SIFT: "Tolerated"; PolyPhen-2: "Benign"; Align-GVGD: "Class C0". The glutamine amino acid residue is found in multiple mammalian species, which suggests that this missense change does not adversely affect protein function. In summary, the available evidence is currently insufficient to determine the role of this variant in disease. Therefore, it has been classified as a Variant of Uncertain Significance.

NM_024652.6(LRRK1):c.4478G>A (p.Arg1493Gln)

Genes: LRRK1 (leucine rich repeat kinase 1; plus strand), LRRK1-AS1 (LRRK1 antisense RNA 1; minus strand). Cytogenetic location: 15q26.3.
Variant type: single nucleotide variant.
Coding change: c.4478G>A on transcript NM_024652.6 (MANE Select); coding-DNA position 4478, G replaced by A.
Protein change: p.Arg1493Gln; replaces arginine 1493 with glutamine.
Molecular consequence: missense variant.
Genome position (GRCh38, 1-based): chr15:101,057,001, G>A. VCF-style: chr15-101057001-G-A. GRCh37 (hg19) VCF-style: chr15-101597206-G-A.
Other names: short protein forms R1493Q.
Identifiers: ClinVar variation 1402386 (VCV001402386.5), dbSNP rs367806940, ClinGen allele CA7761845.